The following is an entry in ClinVar:

ClinVar aggregate classification (germline): Uncertain significance (1 of 4 stars; one submission).

Allele frequency attached by ClinVar (database versions not stated): gnomAD exomes below 0.00001; TOPMed below 0.00001; gnomAD 0.00001.
gnomAD v4.1: 7 of 1,550,096 alleles (0.00045%); highest among the groups gnomAD compares: Non-Finnish European, 0.00061%; no homozygotes.

Submission:

Labcorp Genetics (formerly Invitae), Labcorp
Classification: Uncertain significance. Last evaluated: 2022-03-12. Review status: criteria provided, single submitter. Criteria: Invitae Variant Classification Sherloc (09022015). Collection method: clinical testing. Allele origin: germline.
Comment: This sequence change replaces leucine, which is neutral and non-polar, with proline, which is neutral and non-polar, at codon 1837 of the ZNF469 protein (p.Leu1837Pro). This variant is not present in population databases (gnomAD no frequency). This variant has not been reported in the literature in individuals affected with ZNF469-related conditions. Algorithms developed to predict the effect of missense changes on protein structure and function output the following: SIFT: "Deleterious"; PolyPhen-2: "Benign"; Align-GVGD: "Class C0". The proline amino acid residue is found in multiple mammalian species, which suggests that this missense change does not adversely affect protein function. In summary, the available evidence is currently insufficient to determine the role of this variant in disease. Therefore, it has been classified as a Variant of Uncertain Significance.

NM_001367624.2(ZNF469):c.5594T>C (p.Leu1865Pro)

Gene: ZNF469 (zinc finger protein 469; plus strand). Cytogenetic location: 16q24.2.
Variant type: single nucleotide variant.
Coding change: c.5594T>C on transcript NM_001367624.2 (MANE Select); coding-DNA position 5594, T replaced by C.
Protein change: p.Leu1865Pro; replaces leucine 1865 with proline.
Molecular consequence: missense variant.
Genome position (GRCh38, 1-based): chr16:88,433,064, T>C. VCF-style: chr16-88433064-T-C. GRCh37 (hg19) VCF-style: chr16-88499472-T-C.
Other names: short protein forms L1865P.
Identifiers: ClinVar variation 1929204 (VCV001929204.2), dbSNP rs1906312911, ClinGen allele CA397101618.
Genomic context (GRCh38, chr16:88,433,064, plus strand): 5'-CCACGGCAGGGAGGCCTGGCTTTGAGGGTAATGAGTTTGCACCGGCGGGGGCCTCCTCAC[T>C]GACTGCCCCCCGGGGCAGGGAGGCTTGGTTGGTCCCTGTGCCAAGTCCCGCCTGTGTATC-3'
Protein context (NP_001354553.1, residues 1855-1875): NEFAPAGASS[Leu1865Pro]TAPRGREAWL